The following is an entry in ClinVar:

NM_000384.3(APOB):c.13268C>G (p.Ser4423Cys)

Gene: APOB (apolipoprotein B; minus strand). Cytogenetic location: 2p24.1.
Variant type: single nucleotide variant.
Coding change: c.13268C>G on transcript NM_000384.3 (MANE Select); coding-DNA position 13268, C replaced by G.
Protein change: p.Ser4423Cys; replaces serine 4423 with cysteine.
Molecular consequence: missense variant.
Genome position (GRCh38, 1-based): chr2:21,002,154, G>C on the plus strand (C>G on the coding strand, the complement: APOB is on the minus strand). VCF-style: chr2-21002154-G-C. GRCh37 (hg19) VCF-style: chr2-21225026-G-C.
Other names: c.13268C>G (NM_000384.2); short protein forms S4423C.
Identifiers: ClinVar variation 2080508 (VCV002080508.9), dbSNP rs149182045, ClinGen allele CA052316.
Genomic context (GRCh38, chr2:21,002,154, plus strand): 5'-AATTGCTCAACTTGACTTGAGAGTTGGGAAGTAAAGTTAGAGGCACTGACAATATATTCA[G>C]AATGGAAGTCCTTAAGAGCAACTAACAGGTTCTTGATCAGACTGACTATCTTTTCTTCAA-3'
Protein context (NP_000375.3, residues 4413-4433): NLLVALKDFH[Ser4423Cys]EYIVSASNFT

ClinVar aggregate classification (germline): Conflicting classifications of pathogenicity. Review status: criteria provided, conflicting classifications (1 of 4 stars). 3 submissions from 3 submitters: Uncertain significance (2); Likely benign (1). Last evaluated 2025-06-16.

Conditions:
Cardiovascular phenotype. Identifiers: MedGen CN230736.
Hypercholesterolemia, autosomal dominant, type B (FHCL2). Also called: Familial hypercholesterolemia 2; Familial Hypercholesterolemia Type B; APOLIPOPROTEIN B-100, FAMILIAL DEFECTIVE; APOLIPOPROTEIN B-100, FAMILIAL LIGAND-DEFECTIVE; HYPERCHOLESTEROLEMIA, FAMILIAL, DUE TO LIGAND-DEFECTIVE APOLIPOPROTEIN B; Hyperlipoproteinemia Type IIb. Identifiers: MedGen C1704417, MONDO:0007751, OMIM 144010.
Familial hypobetalipoproteinemia 1. Also called: APOB-Related Familial Hypobetalipoproteinemia; Hypobetalipoproteinemia, normotriglyceridemic; Acanthocytosis with hypobetalipoproteinemia. Identifiers: MedGen C4551990, MONDO:0014252, OMIM 615558.

Allele frequency attached by ClinVar (database versions not stated): ExAC 0.00002; gnomAD 0.00003; gnomAD exomes 0.00003; TOPMed 0.00003; ESP Exome Variant Server 0.00015.
gnomAD v4.1: 45 of 1,613,846 alleles (0.0028%); highest among the groups gnomAD compares: African/African-American, 0.0093%; no homozygotes.

Submissions (3):

Ambry Genetics
Classification: Uncertain significance for Cardiovascular phenotype. Last evaluated: 2025-06-16. Review status: criteria provided, single submitter. Criteria: Ambry Variant Classification Scheme 2023. Collection method: clinical testing. Allele origin: germline.
Comment: The p.S4423C variant (also known as c.13268C>G), located in coding exon 29 of the APOB gene, results from a C to G substitution at nucleotide position 13268. The serine at codon 4423 is replaced by cysteine, an amino acid with dissimilar properties. This amino acid position is conserved. In addition, this alteration is predicted to be tolerated by in silico analysis. Since supporting evidence is limited at this time, the clinical significance of this alteration remains unclear.

ARUP Laboratories, Molecular Genetics and Genomics, ARUP Laboratories
Classification: Uncertain significance. Last evaluated: 2023-03-30. Review status: criteria provided, single submitter. Criteria: ARUP Molecular Germline Variant Investigation Process 2024. Collection method: clinical testing. Allele origin: germline.
Comment: The APOB c.13268C>G; p.Ser4423Cys variant (rs149182045), to our knowledge, is not reported in the medical literature but is reported in ClinVar (Variation ID: 2080508). This variant is found on five alleles in the Genome Aggregation Database. Computational analyses predict that this variant is neutral (REVEL: 0.036). Due to limited information, the clinical significance of this variant is uncertain at this time.

Labcorp Genetics (formerly Invitae), Labcorp
Classification: Likely benign for Familial hypobetalipoproteinemia 1; Hypercholesterolemia, autosomal dominant, type B. Last evaluated: 2022-04-12. Review status: criteria provided, single submitter. Criteria: Invitae Variant Classification Sherloc (09022015). Collection method: clinical testing. Allele origin: germline.